The following is an entry in ClinVar:

ClinVar aggregate classification (germline): Uncertain significance (1 of 4 stars; one submission).

Submission:

CeGaT Center for Human Genetics Tuebingen
Classification: Uncertain significance. Last evaluated: 2026-01-01. Review status: criteria provided, single submitter. Criteria: CeGaT Center For Human Genetics Tuebingen Variant Classification Criteria Version 2. Collection method: clinical testing. Allele origin: germline. Affected: yes. Observed: 1 variant allele.
Comment: CCNF: PM2, BP4

NM_001761.3(CCNF):c.169G>A (p.Ala57Thr)

Gene: CCNF (cyclin F; plus strand). Cytogenetic location: 16p13.3.
Variant type: single nucleotide variant.
Coding change: c.169G>A on transcript NM_001761.3 (MANE Select); coding-DNA position 169, G replaced by A.
Protein change: p.Ala57Thr; replaces alanine 57 with threonine.
Molecular consequence: missense variant. On other transcripts: 5 prime UTR variant (1).
Genome position (GRCh38, 1-based): chr16:2,431,282, G>A. VCF-style: chr16-2431282-G-A. GRCh37 (hg19) VCF-style: chr16-2481283-G-A.
Other names: c.-649G>A (NM_001323538.2); short protein forms A57T.
Identifiers: ClinVar variation 4822960 (VCV004822960.4).